The following is an entry in ClinVar:

NM_144991.3(TSPEAR):c.1755-7C>T

Gene: TSPEAR (thrombospondin type laminin G domain and EAR repeats; minus strand). Cytogenetic location: 21q22.3.
Variant type: single nucleotide variant.
Coding change: c.1755-7C>T on transcript NM_144991.3 (MANE Select); 7 bases into the intron before coding-DNA position 1755, C replaced by T.
Molecular consequence: intron variant.
Genome position (GRCh38, 1-based): chr21:44,504,888, G>A on the plus strand (C>T on the coding strand, the complement: TSPEAR is on the minus strand). VCF-style: chr21-44504888-G-A. GRCh37 (hg19) VCF-style: chr21-45924771-G-A.
Other names: c.1551-7C>T (NM_001272037.2).
Identifiers: ClinVar variation 717051 (VCV000717051.44), dbSNP rs201717370, ClinGen allele CA10056335.

ClinVar aggregate classification (germline): Benign/Likely benign. Review status: criteria provided, multiple submitters, no conflicts (2 of 4 stars). 6 submissions from 6 submitters: Benign (3); Likely benign (2). 1 of the submissions does not count toward it. Last evaluated 2026-01-12.

Conditions:
TSPEAR-related disorder. Also called: TSPEAR-related condition.

Allele frequency attached by ClinVar (database versions not stated): 1000 Genomes Project 30x 0.00031; 1000 Genomes Project 0.00040; TOPMed 0.00071; ESP Exome Variant Server 0.00077; gnomAD exomes 0.00112 and 0.00137; gnomAD 0.00133 and 0.00135; ExAC 0.00152.
gnomAD v4.1: 1,830 of 1,606,432 alleles (0.11%); highest among the groups gnomAD compares: Non-Finnish European, 0.12%; 2 homozygotes.

Submissions (6):

Labcorp Genetics (formerly Invitae), Labcorp
Classification: Benign. Last evaluated: 2026-01-12. Review status: criteria provided, single submitter. Criteria: Invitae Variant Classification Sherloc (09022015). Collection method: clinical testing. Allele origin: germline.

Blueprint Genetics
Classification: Likely benign. Last evaluated: 2024-10-16. Review status: criteria provided, single submitter. Criteria: ACMG Guidelines, 2015. Collection method: clinical testing. Allele origin: germline.

CeGaT Center for Human Genetics Tuebingen
Classification: Likely benign. Last evaluated: 2022-12-01. Review status: criteria provided, single submitter. Criteria: CeGaT Center For Human Genetics Tuebingen Variant Classification Criteria Version 2. Collection method: clinical testing. Allele origin: germline. Affected: yes. Observed: 1 variant allele.
Comment: TSPEAR: BP4

GeneDx
Classification: Benign. Last evaluated: 2019-11-20. Review status: criteria provided, single submitter. Criteria: GeneDx Variant Classification Process June 2021. Collection method: clinical testing. Allele origin: germline. Affected: yes.

Breakthrough Genomics
Classification: Benign. Review status: criteria provided, single submitter. Criteria: ACMG Guidelines, 2015. Collection method: not provided. Allele origin: germline. Inheritance: Autosomal recessive inheritance. Affected: yes.

PreventionGenetics, part of Exact Sciences
Classification: Likely benign for TSPEAR-related condition. Last evaluated: 2019-11-22. Review status: no assertion criteria provided. Collection method: clinical testing. Allele origin: germline. Not counted in ClinVar's aggregate classification.
Comment: This variant is classified as likely benign based on ACMG/AMP sequence variant interpretation guidelines (Richards et al. 2015 PMID: 25741868, with internal and published modifications).